The following is an entry in ClinVar:

NM_170707.4(LMNA):c.870G>A (p.Glu290=)

Gene: LMNA (lamin A/C; plus strand). Cytogenetic location: 1q22.
Variant type: single nucleotide variant.
Coding change: c.870G>A on transcript NM_170707.4 (MANE Select); coding-DNA position 870, G replaced by A.
Protein change: p.Glu290=; no amino-acid change (glutamic acid 290 retained).
Molecular consequence: synonymous variant.
Genome position (GRCh38, 1-based): chr1:156,135,246, G>A. VCF-style: chr1-156135246-G-A. GRCh37 (hg19) VCF-style: chr1-156105037-G-A.
Other names: c.534G>A, p.Glu178= (NM_001257374.3); c.627G>A, p.Glu209= (NM_001282624.2); c.870G>A, p.Glu290= (NM_001282625.2, NM_001282626.2, NM_005572.4 and 1 more transcripts).
Identifiers: ClinVar variation 476833 (VCV000476833.22), dbSNP rs747275587, ClinGen allele CA054576.

ClinVar aggregate classification (germline): Conflicting classifications of pathogenicity. Review status: criteria provided, conflicting classifications (1 of 4 stars). 8 submissions from 8 submitters: Uncertain significance (1); Benign (1); Likely benign (6). Last evaluated 2026-09-03.

Conditions:
LMNA-related disorder. Also called: LMNA-related condition; LMNA-related disease; LMNA-related disorders. Identifiers: MedGen CN380145.
Cardiovascular phenotype. Identifiers: MedGen CN230736.
Charcot-Marie-Tooth disease type 2. Also called: Charcot-Marie-Tooth type 2. Identifiers: Orphanet 64746, MedGen C0270914, MONDO:0018993.
Cardiomyopathy (CMYO). Also called: Cardiomyopathies. Identifiers: Orphanet 167848, MedGen C0878544, MONDO:0004994, HP:0001638. Inheritance: Various modes of inheritance.
Primary dilated cardiomyopathy (DCM). Also called: Dilated Cardiomyopathy. Identifiers: Orphanet 217604, MedGen C0007193, MeSH D002311, MONDO:0005021, HP:0001644. Inheritance: Various modes of inheritance.

Allele frequency attached by ClinVar (database versions not stated): gnomAD 0.00001 and 0.00002; gnomAD exomes 0.00001; TOPMed 0.00001; ExAC 0.00002.
gnomAD v4.1: 13 of 1,613,778 alleles (0.00081%); highest among the groups gnomAD compares: Middle Eastern, 0.049%; no homozygotes.

Submissions (8):

PreventionGenetics, part of Exact Sciences
Classification: Likely benign for LMNA-related condition. Last evaluated: 2026-09-03. Review status: criteria provided, single submitter. Criteria: ACMG Guidelines, 2015. Collection method: clinical testing. Allele origin: germline.
Comment: This variant is classified as likely benign based on ACMG/AMP sequence variant interpretation guidelines (Richards et al. 2015 PMID: 25741868, with internal and published modifications).

Labcorp Genetics (formerly Invitae), Labcorp
Classification: Likely benign for Charcot-Marie-Tooth disease type 2. Last evaluated: 2025-05-15. Review status: criteria provided, single submitter. Criteria: Invitae Variant Classification Sherloc (09022015). Collection method: clinical testing. Allele origin: germline.

Blueprint Genetics
Classification: Likely benign. Last evaluated: 2024-11-06. Review status: criteria provided, single submitter. Criteria: ACMG Guidelines, 2015. Collection method: clinical testing. Allele origin: germline.

All of Us Research Program, National Institutes of Health
Classification: Likely benign for Primary dilated cardiomyopathy. Last evaluated: 2023-11-30. Review status: criteria provided, single submitter. Criteria: ACMG Guidelines, 2015. Collection method: clinical testing. Allele origin: germline. Inheritance: Autosomal dominant inheritance. Observed: 4 variant alleles, 4 heterozygotes.
Comment: This study involves interpretation of variants in research participants for the purpose of population health screening. Participant phenotype was not available at the time of variant classification. Additional details can be found in publication PMID: 35346344, PMCID: PMC8962531

Ambry Genetics
Classification: Likely benign for Cardiovascular phenotype. Last evaluated: 2019-07-11. Review status: criteria provided, single submitter. Criteria: Ambry Variant Classification Scheme 2023. Collection method: clinical testing. Allele origin: germline.

Color Diagnostics, LLC DBA Color Health
Classification: Likely benign for Cardiomyopathy. Last evaluated: 2019-01-20. Review status: criteria provided, single submitter. Criteria: ACMG Guidelines, 2015. Collection method: clinical testing. Allele origin: germline.

Eurofins Ntd Llc (ga)
Classification: Uncertain significance. Last evaluated: 2016-12-02. Review status: criteria provided, single submitter. Criteria: EGL Classification Definitions 2015. Collection method: clinical testing. Allele origin: germline. Observed: 1 variant allele, 1 heterozygote.

GeneDx
Classification: Benign. Last evaluated: 2015-05-28. Review status: criteria provided, single submitter. Criteria: GeneDx Variant Classification Process June 2021. Collection method: clinical testing. Allele origin: germline. Affected: yes.